The following is an entry in ClinVar:

ClinVar aggregate classification (germline): Likely benign. Review status: criteria provided, multiple submitters, no conflicts (2 of 4 stars). 3 submissions from 3 submitters: Likely benign (3). Last evaluated 2023-12-01.

Conditions:
Cardiomyopathy (CMYO). Also called: Cardiomyopathies. Identifiers: Orphanet 167848, MedGen C0878544, MONDO:0004994, HP:0001638. Inheritance: Various modes of inheritance.
Catecholaminergic polymorphic ventricular tachycardia (CVPT). Also called: Catecholamine-induced polymorphic ventricular tachycardia. Identifiers: Orphanet 3286, MedGen C5574922, MONDO:0017990.
Cardiovascular phenotype. Identifiers: MedGen CN230736.

Allele frequency attached by ClinVar (database versions not stated): gnomAD 0.00002; ExAC 0.00001; gnomAD exomes 0.00001.
gnomAD v4.1: 21 of 1,613,752 alleles (0.0013%); highest among the groups gnomAD compares: East Asian, 0.0089%; no homozygotes.

Submissions (3):

All of Us Research Program, National Institutes of Health
Classification: Likely benign for Catecholaminergic polymorphic ventricular tachycardia. Last evaluated: 2023-12-01. Review status: criteria provided, single submitter. Criteria: ACMG Guidelines, 2015. Collection method: clinical testing. Allele origin: germline. Inheritance: Autosomal dominant inheritance. Observed: 3 variant alleles, 3 heterozygotes.
Comment: This study involves interpretation of variants in research participants for the purpose of population health screening. Participant phenotype was not available at the time of variant classification. Additional details can be found in publication PMID: 35346344, PMCID: PMC8962531

Color Diagnostics, LLC DBA Color Health
Classification: Likely benign for Cardiomyopathy. Last evaluated: 2021-08-30. Review status: criteria provided, single submitter. Criteria: ACMG Guidelines, 2015. Collection method: clinical testing. Allele origin: germline.

Ambry Genetics
Classification: Likely benign for Cardiovascular phenotype. Last evaluated: 2020-08-17. Review status: criteria provided, single submitter. Criteria: Ambry Variant Classification Scheme 2023. Collection method: clinical testing. Allele origin: germline.

NM_001035.3(RYR2):c.1986C>T (p.Gly662=)

Gene: RYR2 (ryanodine receptor 2; plus strand). Cytogenetic location: 1q43.
Variant type: single nucleotide variant.
Coding change: c.1986C>T on transcript NM_001035.3 (MANE Select); coding-DNA position 1986, C replaced by T.
Protein change: p.Gly662=; no amino-acid change (glycine 662 retained).
Molecular consequence: synonymous variant.
Genome position (GRCh38, 1-based): chr1:237,496,535, C>T. VCF-style: chr1-237496535-C-T. GRCh37 (hg19) VCF-style: chr1-237659835-C-T.
Identifiers: ClinVar variation 1783875 (VCV001783875.5), dbSNP rs760795266, ClinGen allele CA085939.